The following is an entry in ClinVar:

NM_017617.5(NOTCH1):c.7223T>C (p.Leu2408Pro)

Gene: NOTCH1 (notch receptor 1; minus strand). Cytogenetic location: 9q34.3.
Variant type: single nucleotide variant.
Coding change: c.7223T>C on transcript NM_017617.5 (MANE Select); coding-DNA position 7223, T replaced by C.
Protein change: p.Leu2408Pro; replaces leucine 2408 with proline.
Molecular consequence: missense variant.
Genome position (GRCh38, 1-based): chr9:136,496,516, A>G on the plus strand (T>C on the coding strand, the complement: NOTCH1 is on the minus strand). VCF-style: chr9-136496516-A-G. GRCh37 (hg19) VCF-style: chr9-139390968-A-G.
Other names: c.7223T>C, p.Leu2408Pro (LRG_1122t1); short protein forms L2408P.
Identifiers: ClinVar variation 477969 (VCV000477969.23), dbSNP rs767728582, ClinGen allele CA5339730.
Genomic context (GRCh38, chr9:136,496,516, plus strand): 5'-TGGCCGCTGGCTGCTGAGCTCACGCCAAGGTGCGGCTGTGGTGGTGGTGGTGGCGGCTGC[A>G]GGCTTTGCTGCTGCTGGATGTTTGCTGGCTGCAGGTTCTGCTGCTGCATCTGTAAGTTTT-3'
Protein context (NP_060087.3, residues 2398-2418): QPANIQQQQS[Leu2408Pro]QPPPPPPQPH

ClinVar aggregate classification (germline): Conflicting classifications of pathogenicity. Review status: criteria provided, conflicting classifications (1 of 4 stars). 5 submissions from 5 submitters: Uncertain significance (4); Likely benign (1). Last evaluated 2025-12-19.

Conditions:
Familial thoracic aortic aneurysm and aortic dissection (TAAD). Also called: Thoracic aortic aneurysms and dissections. Identifiers: Orphanet 91387, MedGen C4707243, MONDO:0019625.
Aortic valve disease 1 (AOVD1). Identifiers: MedGen C3887892, MONDO:0024523, OMIM 109730.
Adams-Oliver syndrome 5 (AOS5). Identifiers: Orphanet 974, MedGen C4014970, MONDO:0014459, OMIM 616028.

Allele frequency attached by ClinVar (database versions not stated): ExAC 0.00002; gnomAD exomes 0.00003 and 0.00010; TOPMed 0.00022; gnomAD 0.00028 and 0.00031.
gnomAD v4.1: 87 of 1,604,310 alleles (0.0054%); highest among the groups gnomAD compares: Admixed American, 0.11%; no homozygotes.

Submissions (5):

Ambry Genetics
Classification: Uncertain significance for Familial thoracic aortic aneurysm and aortic dissection. Last evaluated: 2025-12-19. Review status: criteria provided, single submitter. Criteria: Ambry Variant Classification Scheme 2023. Collection method: clinical testing. Allele origin: germline.
Comment: The p.L2408P variant (also known as c.7223T>C), located in coding exon 34 of the NOTCH1 gene, results from a T to C substitution at nucleotide position 7223. The leucine at codon 2408 is replaced by proline, an amino acid with similar properties. This amino acid position is not well conserved in available vertebrate species. In addition, this alteration is predicted to be tolerated by in silico analysis. Since supporting evidence is limited at this time, the clinical significance of this alteration remains unclear.

Labcorp Genetics (formerly Invitae), Labcorp
Classification: Likely benign for Adams-Oliver syndrome 5. Last evaluated: 2025-06-18. Review status: criteria provided, single submitter. Criteria: Invitae Variant Classification Sherloc (09022015). Collection method: clinical testing. Allele origin: germline.

GeneDx
Classification: Uncertain significance. Last evaluated: 2024-12-18. Review status: criteria provided, single submitter. Criteria: GeneDx Variant Classification Process June 2021. Collection method: clinical testing. Allele origin: germline. Affected: yes.
Comment: Has not been previously published as pathogenic or benign to our knowledge; In silico analysis indicates that this missense variant does not alter protein structure/function

Fulgent Genetics
Classification: Uncertain significance for Aortic valve disease 1; Adams-Oliver syndrome 5. Last evaluated: 2024-02-28. Review status: criteria provided, single submitter. Criteria: ACMG Guidelines, 2015. Collection method: clinical testing. Allele origin: germline.

CHEO Genetics Diagnostic Laboratory, Children's Hospital of Eastern Ontario
Classification: Uncertain significance for Familial thoracic aortic aneurysm and aortic dissection. Last evaluated: 2017-07-21. Review status: criteria provided, single submitter. Criteria: ACMG Guidelines, 2015. Collection method: clinical testing. Allele origin: germline. Study: Canadian Open Genetics Repository.